The following is an entry in ClinVar:

ClinVar aggregate classification (germline): Pathogenic (1 of 4 stars; one submission).

Conditions:
Neurofibromatosis, type 1 (NF1). Also called: VON RECKLINGHAUSEN DISEASE; NEUROFIBROMATOSIS, TYPE I, SOMATIC; Peripheral type neurofibromatosis; Neurofibromatosis, type I. Identifiers: Orphanet 636, MedGen C0027831, MONDO:0018975, OMIM 162200. Disease mechanism: loss of function.

Submission:

Labcorp Genetics (formerly Invitae), Labcorp
Classification: Pathogenic for Neurofibromatosis, type 1. Last evaluated: 2018-09-21. Review status: criteria provided, single submitter. Criteria: Invitae Variant Classification Sherloc (09022015). Collection method: clinical testing. Allele origin: germline.
Comment: For these reasons, this variant has been classified as Pathogenic. Loss-of-function variants in NF1 are known to be pathogenic (PMID: 10712197, 23913538). This variant has not been reported in the literature in individuals with NF1-related disease. This variant is an out-of-frame deletion of the genomic region encompassing exons 22-35 of the NF1 gene. This is expected to create a premature translational stop signal and result in an absent or disrupted protein product.

Literature cited by the submitters: PubMed 10712197; PubMed 23913538.

NC_000017.11:g.(?_31229825)_(31265349_?)del

Gene: NF1 (neurofibromin 1; plus strand). Cytogenetic location: 17q11.2.
Variant type: Deletion.
Identifiers: ClinVar variation 655758 (VCV000655758.3).